The following is an entry in ClinVar:

NM_001005373.4(LRSAM1):c.541G>C (p.Asp181His)

Gene: LRSAM1 (leucine rich repeat and sterile alpha motif containing 1; plus strand). Cytogenetic location: 9q33.3.
Variant type: single nucleotide variant.
Coding change: c.541G>C on transcript NM_001005373.4 (MANE Select); coding-DNA position 541, G replaced by C.
Protein change: p.Asp181His; replaces aspartic acid 181 with histidine.
Molecular consequence: missense variant. On other transcripts: 5 prime UTR variant (1), non-coding transcript variant (2).
Genome position (GRCh38, 1-based): chr9:127,467,752, G>C. VCF-style: chr9-127467752-G-C. GRCh37 (hg19) VCF-style: chr9-130230031-G-C.
Other names: c.541G>C, p.Asp181His (NM_001005374.4, NM_001190723.3, NM_001384142.1 and 2 more transcripts); c.-244G>C (NM_001384144.1); short protein forms D181H.
Identifiers: ClinVar variation 1063427 (VCV001063427.8), dbSNP rs1255236822, ClinGen allele CA374928470.

ClinVar aggregate classification (germline): Uncertain significance. Review status: criteria provided, multiple submitters, no conflicts (2 of 4 stars). 2 submissions from 2 submitters: Uncertain significance (2). Last evaluated 2024-06-06.

Conditions:
Charcot-Marie-Tooth disease axonal type 2P. Also called: CHARCOT-MARIE-TOOTH DISEASE, AXONAL, TYPE 2G; CMT 2G; CHARCOT-MARIE-TOOTH NEUROPATHY, TYPE 2P; Charcot-Marie-Tooth Neuropathy Type 2G. Identifiers: Orphanet 300319, Orphanet 99941, MedGen C3280797, MONDO:0013753, OMIM 614436.

Allele frequency attached by ClinVar (database versions not stated): gnomAD 0.00001; gnomAD exomes 0.00001; TOPMed 0.00001.
gnomAD v4.1: 13 of 1,610,240 alleles (0.00081%); highest among the groups gnomAD compares: Non-Finnish European, 0.0011%; no homozygotes.

Submissions (2):

Labcorp Genetics (formerly Invitae), Labcorp
Classification: Uncertain significance for Charcot-Marie-Tooth disease axonal type 2P. Last evaluated: 2024-06-06. Review status: criteria provided, single submitter. Criteria: Invitae Variant Classification Sherloc (09022015). Collection method: clinical testing. Allele origin: germline.
Comment: This sequence change replaces aspartic acid, which is acidic and polar, with histidine, which is basic and polar, at codon 181 of the LRSAM1 protein (p.Asp181His). This variant is not present in population databases (gnomAD no frequency). This variant has not been reported in the literature in individuals affected with LRSAM1-related conditions. ClinVar contains an entry for this variant (Variation ID: 1063427). Advanced modeling of protein sequence and biophysical properties (such as structural, functional, and spatial information, amino acid conservation, physicochemical variation, residue mobility, and thermodynamic stability) performed at Invitae indicates that this missense variant is expected to disrupt LRSAM1 protein function with a positive predictive value of 80%. In summary, the available evidence is currently insufficient to determine the role of this variant in disease. Therefore, it has been classified as a Variant of Uncertain Significance.

Breakthrough Genomics
Classification: Uncertain significance. Review status: criteria provided, single submitter. Criteria: ACMG Guidelines, 2015. Collection method: not provided. Allele origin: germline. Inheritance: Autosomal recessive inheritance. Affected: yes.